The following is an entry in ClinVar:

NC_000010.10:g.(?_102987027)_(103436213_?)dup

Genes: BTRC (beta-transducin repeat containing E3 ubiquitin protein ligase; plus strand), DPCD (deleted in primary ciliary dyskinesia homolog (mouse); plus strand), FBXW4 (F-box and WD repeat domain containing 4; minus strand), LBX1 (ladybird homeobox 1; minus strand), POLL (DNA polymerase lambda; minus strand). Cytogenetic location: 10q24.31-24.32.
Variant type: Duplication.
Identifiers: ClinVar variation 3244997 (VCV003244997.1).

ClinVar aggregate classification (germline): Uncertain significance (1 of 4 stars; one submission).

Submission:

Labcorp Genetics (formerly Invitae), Labcorp
Classification: Uncertain significance. Last evaluated: 2023-06-04. Review status: criteria provided, single submitter. Criteria: Invitae Variant Classification Sherloc (09022015). Collection method: clinical testing. Allele origin: unknown.
Comment: In summary, the available evidence is currently insufficient to determine the role of this variant in disease. Therefore, it has been classified as a Variant of Uncertain Significance. Experimental studies and prediction algorithms are not available or were not evaluated, and the functional significance of this variant is currently unknown. This variant has not been reported in the literature in individuals affected with FBXW4-related conditions. This variant results in a copy number gain of the genomic region encompassing exon(s) 2-9 of the FBXW4 gene. This region includes the termination codon of the gene. This copy number gain extends beyond the assayed region for this gene and therefore may encompass additional genes. As the precise location of this event is unknown, it may be in tandem or it may be located elsewhere in the genome.